The following is an entry in ClinVar:

NM_006393.3(NEBL):c.1869A>G (p.Ser623=)

Gene: NEBL (nebulette; minus strand). Cytogenetic location: 10p12.31.
Variant type: single nucleotide variant.
Coding change: c.1869A>G on transcript NM_006393.3 (MANE Select); coding-DNA position 1869, A replaced by G.
Protein change: p.Ser623=; no amino-acid change (serine 623 retained).
Molecular consequence: synonymous variant. On other transcripts: intron variant (9).
Genome position (GRCh38, 1-based): chr10:20,826,447, T>C on the plus strand (A>G on the coding strand, the complement: NEBL is on the minus strand). VCF-style: chr10-20826447-T-C. GRCh37 (hg19) VCF-style: chr10-21115376-T-C.
Other names: c.250-13507A>G (NM_001377326.1, NM_001377327.1, NM_001377328.1); c.358-13507A>G (NM_213569.2, NM_001173484.2, NM_001377322.1); c.301-13507A>G (NM_001377324.1); c.292-13507A>G (NM_001377325.1); c.310-13507A>G (NM_001377323.1).
Identifiers: ClinVar variation 1966131 (VCV001966131.5), dbSNP rs1186499187, ClinGen allele CA468446219.

ClinVar aggregate classification (germline): Uncertain significance (1 of 4 stars; one submission).

Conditions:
Primary dilated cardiomyopathy (DCM). Also called: Dilated Cardiomyopathy. Identifiers: Orphanet 217604, MedGen C0007193, MeSH D002311, MONDO:0005021, HP:0001644. Inheritance: Various modes of inheritance.

Allele frequency attached by ClinVar (database versions not stated): gnomAD exomes below 0.00001; TOPMed below 0.00001.
gnomAD v4.1: 1 of 1,605,570 alleles (0.000062%); highest among the groups gnomAD compares: Non-Finnish European, 0.000085%; no homozygotes.

Submission:

Labcorp Genetics (formerly Invitae), Labcorp
Classification: Uncertain significance for Primary dilated cardiomyopathy. Last evaluated: 2022-03-02. Review status: criteria provided, single submitter. Criteria: Invitae Variant Classification Sherloc (09022015). Collection method: clinical testing. Allele origin: germline.
Comment: In summary, the available evidence is currently insufficient to determine the role of this variant in disease. Therefore, it has been classified as a Variant of Uncertain Significance. Algorithms developed to predict the effect of sequence changes on RNA splicing suggest that this variant is not likely to affect RNA splicing. This variant has not been reported in the literature in individuals affected with NEBL-related conditions. This variant is not present in population databases (gnomAD no frequency). This sequence change affects codon 623 of the NEBL mRNA. It is a 'silent' change, meaning that it does not change the encoded amino acid sequence of the NEBL protein. It affects a nucleotide within the consensus splice site.